The following is an entry in ClinVar:

NM_015909.4(NBAS):c.3838C>T (p.Arg1280Trp)

Gene: NBAS (NBAS subunit of NRZ tethering complex; minus strand). Cytogenetic location: 2p24.3.
Variant type: single nucleotide variant.
Coding change: c.3838C>T on transcript NM_015909.4 (MANE Select); coding-DNA position 3838, C replaced by T.
Protein change: p.Arg1280Trp; replaces arginine 1280 with tryptophan.
Molecular consequence: missense variant. On other transcripts: non-coding transcript variant (1).
Genome position (GRCh38, 1-based): chr2:15,356,396, G>A on the plus strand (C>T on the coding strand, the complement: NBAS is on the minus strand). VCF-style: chr2-15356396-G-A. GRCh37 (hg19) VCF-style: chr2-15496520-G-A.
Other names: short protein forms R1280W.
Identifiers: ClinVar variation 1523367 (VCV001523367.7), dbSNP rs368280415, ClinGen allele CA1535885.

ClinVar aggregate classification (germline): Uncertain significance. Review status: criteria provided, multiple submitters, no conflicts (2 of 4 stars). 3 submissions from 3 submitters: Uncertain significance (3). Last evaluated 2024-10-24.

Conditions:
Short stature-optic atrophy-Pelger-Huët anomaly syndrome. Also called: Short stature, optic nerve atrophy, and Pelger-Huet anomaly; Short stature-optic atrophy-Pelger-HuC+t anomaly syndrome. Identifiers: Orphanet 391677, MedGen C3541319, MONDO:0013889, OMIM 614800.
Infantile liver failure syndrome 2 (ILFS2). Identifiers: MedGen C3809651, MONDO:0014659, OMIM 616483.

Allele frequency attached by ClinVar (database versions not stated): gnomAD 0.00001; ExAC 0.00002; gnomAD exomes 0.00002 and 0.00003; TOPMed 0.00003; ESP Exome Variant Server 0.00008.
gnomAD v4.1: 51 of 1,613,580 alleles (0.0032%); highest among the groups gnomAD compares: Non-Finnish European, 0.0038%; no homozygotes.

Submissions (3):

Blueprint Genetics
Classification: Uncertain significance. Last evaluated: 2024-10-24. Review status: criteria provided, single submitter. Criteria: ACMG Guidelines, 2015. Collection method: clinical testing. Allele origin: germline.

Women's Health and Genetics/Laboratory Corporation of America, LabCorp
Classification: Uncertain significance. Last evaluated: 2022-07-01. Review status: criteria provided, single submitter. Criteria: LabCorp Variant Classification Summary - May 2015. Collection method: clinical testing. Allele origin: germline.
Comment: Variant summary: NBAS c.3838C>T (p.Arg1280Trp) results in a non-conservative amino acid change located in the Sec39 domain (IPR013244) of the encoded protein sequence. Four of five in-silico tools predict a damaging effect of the variant on protein function. The variant allele was found at a frequency of 1.6e-05 in 251012 control chromosomes (gnomAD). The available data on variant occurrences in the general population are insufficient to allow any conclusion about variant significance. To our knowledge, no occurrence of c.3838C>T in individuals affected with Liver Failure Acute Infantile, Type 2 and no experimental evidence demonstrating its impact on protein function have been reported. One clinical diagnostic laboratory has submitted clinical-significance assessments for this variant to ClinVar after 2014 without evidence for independent evaluation and classified the variant as uncertain significance. Based on the evidence outlined above, the variant was classified as uncertain significance.

Labcorp Genetics (formerly Invitae), Labcorp
Classification: Uncertain significance. Last evaluated: 2022-05-18. Review status: criteria provided, single submitter. Criteria: Invitae Variant Classification Sherloc (09022015). Collection method: clinical testing. Allele origin: germline.
Comment: This sequence change replaces arginine, which is basic and polar, with tryptophan, which is neutral and slightly polar, at codon 1280 of the NBAS protein (p.Arg1280Trp). This variant is present in population databases (rs368280415, gnomAD 0.003%). This variant has not been reported in the literature in individuals affected with NBAS-related conditions. Algorithms developed to predict the effect of missense changes on protein structure and function (SIFT, PolyPhen-2, Align-GVGD) all suggest that this variant is likely to be disruptive. Algorithms developed to predict the effect of sequence changes on RNA splicing suggest that this variant may create or strengthen a splice site. In summary, the available evidence is currently insufficient to determine the role of this variant in disease. Therefore, it has been classified as a Variant of Uncertain Significance.